The following is an entry in ClinVar:

ClinVar aggregate classification (germline): Uncertain significance (1 of 4 stars; one submission).

Conditions:
Kabuki syndrome 2 (KABUK2). Also called: KDM6A-Related Kabuki Syndrome. Identifiers: Orphanet 2322, MedGen C3275495, MONDO:0010465, OMIM 300867.

gnomAD v4.1: 1 of 1,211,454 alleles (0.000083%); highest among the groups gnomAD compares: South Asian, 0.0018%; no homozygotes.

Submission:

Labcorp Genetics (formerly Invitae), Labcorp
Classification: Uncertain significance for Kabuki syndrome 2. Last evaluated: 2024-09-21. Review status: criteria provided, single submitter. Criteria: Invitae Variant Classification Sherloc (09022015). Collection method: clinical testing. Allele origin: germline.
Comment: This sequence change replaces proline, which is neutral and non-polar, with serine, which is neutral and polar, at codon 728 of the KDM6A protein (p.Pro728Ser). This variant is not present in population databases (gnomAD no frequency). This variant has not been reported in the literature in individuals affected with KDM6A-related conditions. Invitae Evidence Modeling of protein sequence and biophysical properties (such as structural, functional, and spatial information, amino acid conservation, physicochemical variation, residue mobility, and thermodynamic stability) indicates that this missense variant is not expected to disrupt KDM6A protein function with a negative predictive value of 80%. In summary, the available evidence is currently insufficient to determine the role of this variant in disease. Therefore, it has been classified as a Variant of Uncertain Significance.

NM_001291415.2(KDM6A):c.2338C>T (p.Pro780Ser)

Gene: KDM6A (lysine demethylase 6A; plus strand). Cytogenetic location: Xp11.3.
Variant type: single nucleotide variant.
Coding change: c.2338C>T on transcript NM_001291415.2 (MANE Select); coding-DNA position 2338, C replaced by T.
Protein change: p.Pro780Ser; replaces proline 780 with serine.
Molecular consequence: missense variant. On other transcripts: non-coding transcript variant (1).
Genome position (GRCh38, 1-based): chrX:45,069,837, C>T. VCF-style: chrX-45069837-C-T. GRCh37 (hg19) VCF-style: chrX-44929082-C-T.
Other names: c.1945C>T, p.Pro649Ser (NM_001291418.2, NM_001419815.1); c.1294C>T, p.Pro432Ser (NM_001291421.2); c.2080C>T, p.Pro694Ser (NM_001410742.1, NM_001419814.1); c.2338C>T, p.Pro780Ser (NM_001419809.1); c.2236C>T, p.Pro746Ser (NM_001419810.1, NM_001419813.1); c.2203C>T, p.Pro735Ser (NM_001419811.1, NM_001291416.2); c.2182C>T, p.Pro728Ser (NM_001419812.1, NM_021140.4); c.2047C>T, p.Pro683Ser (NM_001291417.2); short protein forms P683S, P694S, P746S, P728S, P780S, P432S, P735S, P649S.
Identifiers: ClinVar variation 3665654 (VCV003665654.2).